The following is an entry in ClinVar:

NM_004385.5(VCAN):c.854C>T (p.Ala285Val)

Gene: VCAN (versican; plus strand). Cytogenetic location: 5q14.3.
Variant type: single nucleotide variant.
Coding change: c.854C>T on transcript NM_004385.5 (MANE Select); coding-DNA position 854, C replaced by T.
Protein change: p.Ala285Val; replaces alanine 285 with valine.
Molecular consequence: missense variant.
Genome position (GRCh38, 1-based): chr5:83,512,208, C>T. VCF-style: chr5-83512208-C-T. GRCh37 (hg19) VCF-style: chr5-82808027-C-T.
Other names: c.854C>T, p.Ala285Val (NM_001126336.3, NM_001164097.2, NM_001164098.2); short protein forms A285V.
Identifiers: ClinVar variation 354393 (VCV000354393.19), dbSNP rs144939909, ClinGen allele CA3332540.
Genomic context (GRCh38, chr5:83,512,208, plus strand): 5'-AGGCTGCAAAAGAGTGTGAAAACCAGGATGCCAGGCTGGCAACAGTGGGGGAACTCCAGG[C>T]GGCATGGAGGAACGGCTTTGACCAGTGCGATTACGGGTGGCTGTCGGATGCCAGCGTGCG-3'
Protein context (NP_004376.2, residues 275-295): ARLATVGELQ[Ala285Val]AWRNGFDQCD

ClinVar aggregate classification (germline): Conflicting classifications of pathogenicity. Review status: criteria provided, conflicting classifications (1 of 4 stars). 6 submissions from 6 submitters: Uncertain significance (1); Benign (1); Likely benign (2). 2 of the submissions do not count toward it. Last evaluated 2025-09-29.

Conditions:
VCAN-related disorder. Also called: VCAN-related condition.
Retinal dystrophy. Also called: Inherited retinal dystrophy. Identifiers: Orphanet 71862, MedGen C0854723, MeSH D058499, MONDO:0019118, HP:0000556.
Inborn genetic diseases. Identifiers: MedGen C0950123, MeSH D030342.
Vitreoretinopathy. Also called: Vitreoretinal degeneration. Identifiers: MedGen C0344290, MONDO:0020248, HP:0007773.

Allele frequency attached by ClinVar (database versions not stated): ExAC 0.00038; 1000 Genomes Project 30x 0.00047; ESP Exome Variant Server 0.00054; 1000 Genomes Project 0.00060; gnomAD 0.00064 and 0.00066; TOPMed 0.00090.
gnomAD v4.1: 785 of 1,614,080 alleles (0.049%); highest among the groups gnomAD compares: Admixed American, 0.18%; 1 homozygote.

Submissions (6):

Labcorp Genetics (formerly Invitae), Labcorp
Classification: Likely benign. Last evaluated: 2025-09-29. Review status: criteria provided, single submitter. Criteria: Invitae Variant Classification Sherloc (09022015). Collection method: clinical testing. Allele origin: germline.

Blueprint Genetics
Classification: Likely benign. Last evaluated: 2024-11-13. Review status: criteria provided, single submitter. Criteria: ACMG Guidelines, 2015. Collection method: clinical testing. Allele origin: germline.

Ambry Genetics
Classification: Uncertain significance for Inborn genetic diseases. Last evaluated: 2024-03-15. Review status: criteria provided, single submitter. Criteria: Ambry Variant Classification Scheme 2023. Collection method: clinical testing. Allele origin: germline.

Illumina Laboratory Services, Illumina
Classification: Benign for Vitreoretinopathy. Last evaluated: 2018-01-13. Review status: criteria provided, single submitter. Criteria: ICSL Variant Classification Criteria 13 December 2019. Collection method: clinical testing. Allele origin: germline.
Comment: This variant was observed in the ICSL laboratory as part of a predisposition screen in an ostensibly healthy population. It had not been previously curated by ICSL or reported in the Human Gene Mutation Database (HGMD: prior to June 1st, 2018), and was therefore a candidate for classification through an automated scoring system. Utilizing variant allele frequency, disease prevalence and penetrance estimates, and inheritance mode, an automated score was calculated to assess if this variant is too frequent to cause the disease. Based on the score and internal cut-off values, a variant classified as benign is not then subjected to further curation. The score for this variant resulted in a classification of benign for this disease.

Institute of Human Genetics, Univ. Regensburg, Univ. Regensburg
Classification: Uncertain significance for Retinal dystrophy. Last evaluated: 2023-01-01. Review status: no assertion criteria provided. Criteria: ACMG Guidelines, 2015. Collection method: clinical testing. Allele origin: germline. Affected: yes. Not counted in ClinVar's aggregate classification.

PreventionGenetics, part of Exact Sciences
Classification: Likely benign for VCAN-related condition. Last evaluated: 2021-10-05. Review status: no assertion criteria provided. Collection method: clinical testing. Allele origin: germline. Not counted in ClinVar's aggregate classification.
Comment: This variant is classified as likely benign based on ACMG/AMP sequence variant interpretation guidelines (Richards et al. 2015 PMID: 25741868, with internal and published modifications).